The following is an entry in ClinVar:

NM_020750.3(XPO5):c.3040C>T (p.Leu1014=)

Genes: POLR1C (RNA polymerase I and III subunit C; plus strand), XPO5 (exportin 5; minus strand). Cytogenetic location: 6p21.1.
Variant type: single nucleotide variant.
Coding change: c.3040C>T on transcript NM_020750.3 (MANE Select); coding-DNA position 3040, C replaced by T.
Protein change: p.Leu1014=; no amino-acid change (leucine 1014 retained).
Molecular consequence: synonymous variant. On other transcripts: non-coding transcript variant (1), intron variant (2).
Genome position (GRCh38, 1-based): chr6:43,525,865, G>A on the plus strand (C>T on the coding strand, the complement: XPO5 is on the minus strand). VCF-style: chr6-43525865-G-A. GRCh37 (hg19) VCF-style: chr6-43493603-G-A.
Other names: c.922+4817G>A (NM_001363658.2); c.923-3384G>A (NM_001318876.2).
Identifiers: ClinVar variation 4977051 (VCV004977051.1).
Genomic context (GRCh38, chr6:43,525,865, plus strand): 5'-AGGAGTAAAGGTATCACCTGCTCCTTCTACCCACCTCATGCTTCATCAGACATTTGCCCA[G>A]GTCTGTAAGCTCTGCCATAGCTGAGGGGGTGACCTCTGTGGCCATCATTTCTTCATCTGT-3'
Protein context (NP_065801.1, residues 1004-1024): TPSAMAELTD[Leu1014=]GKCLMKHEDV

ClinVar aggregate classification (germline): Likely benign (1 of 4 stars; one submission).

Conditions:
XPO5-related disorder. Also called: XPO5-related condition.

gnomAD v4.1: 2 of 1,614,014 alleles (0.00012%); highest among the groups gnomAD compares: Non-Finnish European, 0.00017%; no homozygotes.

Submission:

PreventionGenetics, part of Exact Sciences
Classification: Likely benign for XPO5-related condition. Last evaluated: 2026-03-26. Review status: criteria provided, single submitter. Criteria: ACMG Guidelines, 2015. Collection method: clinical testing. Allele origin: germline.
Comment: This variant is classified as likely benign based on ACMG/AMP sequence variant interpretation guidelines (Richards et al. 2015 PMID: 25741868, with internal and published modifications).